The following is an entry in ClinVar:

ClinVar aggregate classification (germline): Likely pathogenic. Review status: criteria provided, multiple submitters, no conflicts (2 of 4 stars). 9 submissions from 9 submitters: Likely pathogenic (6). 3 of the submissions do not count toward it. Last evaluated 2025-04-01.

Conditions:
Hereditary cancer-predisposing syndrome. Also called: Neoplastic Syndromes, Hereditary; Tumor predisposition; Hereditary Cancer Syndrome; Hereditary neoplastic syndrome. Identifiers: Orphanet 140162, MedGen C0027672, MeSH D009386, MONDO:0015356.
Familial cancer of breast. Also called: BREAST CANCER, FAMILIAL; hereditary breast carcinoma; Hereditary breast cancer. Identifiers: Orphanet 227535, MedGen C0346153, MONDO:0016419, OMIM 114480. Disease mechanism: loss of function.
CHEK2-related cancer predisposition (TPDS4). Also called: CHEK2-related cancer susceptibility; TUMOR PREDISPOSITION SYNDROME 4; CANCER PREDISPOSITION SYNDROME, CHEK2-RELATED. Identifiers: Orphanet 524, MedGen C5882668, MONDO:0700271, OMIM 609265.
Bone osteosarcoma. Also called: Osteosarcoma, somatic. Identifiers: Orphanet 668, MedGen C0585442, MONDO:0002629, OMIM 259500.
Familial prostate cancer. Also called: Hereditary Prostate Cancer. Identifiers: MedGen C2931456, MONDO:0700275, OMIM 176807.
Gastric cancer. Also called: Stomach cancer; Malignant tumor of stomach. Identifiers: MedGen C0024623, MeSH D013274, MONDO:0001056, OMIM 613659, HP:0012126.
Breast and/or ovarian cancer. Identifiers: MedGen CN221562.

gnomAD v4.1: 3 of 1,607,186 alleles (0.00019%); highest among the groups gnomAD compares: South Asian, 0.0011%; no homozygotes.

Submissions (9):

Labcorp Genetics (formerly Invitae), Labcorp
Classification: Likely pathogenic for Familial cancer of breast. Last evaluated: 2025-04-01. Review status: criteria provided, single submitter. Criteria: Invitae Variant Classification Sherloc (09022015). Collection method: clinical testing. Allele origin: germline.
Comment: This sequence change affects an acceptor splice site in intron 5 of the CHEK2 gene. It is expected to disrupt RNA splicing. Variants that disrupt the donor or acceptor splice site typically lead to a loss of protein function (PMID: 16199547), and loss-of-function variants in CHEK2 are known to be pathogenic (PMID: 21876083, 24713400). This variant is present in population databases (no rsID available, gnomAD 0.003%). Disruption of this splice site has been observed in individual(s) with breast cancer and/or pancreatic cancer (PMID: 30287823, 32980694). This variant is also known as c.813-1G>A. ClinVar contains an entry for this variant (Variation ID: 479534). Studies have shown that disruption of this splice site is associated with inconclusive levels of altered splicing (internal data). In summary, the currently available evidence indicates that the variant is pathogenic, but additional data are needed to prove that conclusively. Therefore, this variant has been classified as Likely Pathogenic.

Ambry Genetics
Classification: Likely pathogenic for Hereditary cancer-predisposing syndrome. Last evaluated: 2024-12-30. Review status: criteria provided, single submitter. Criteria: Ambry Variant Classification Scheme 2023. Collection method: clinical testing. Allele origin: germline.
Comment: The c.684-1G>A intronic variant results from a G to A substitution one nucleotide upstream from coding exon 5 of the CHEK2 gene. This nucleotide position is highly conserved in available vertebrate species. In silico splice site analysis predicts that this alteration will weaken the native splice acceptor site; however, direct evidence is insufficient at this time (Ambry internal data). Alterations that disrupt the canonical splice site are expected to cause aberrant splicing, resulting in an abnormal protein or a transcript that is subject to nonsense-mediated mRNA decay. As such, this alteration is classified as likely pathogenic.

GeneDx
Classification: Likely pathogenic. Last evaluated: 2023-10-12. Review status: criteria provided, single submitter. Criteria: GeneDx Variant Classification Process June 2021. Collection method: clinical testing. Allele origin: germline. Affected: yes.
Comment: Canonical splice site variant predicted to result in a null allele in a gene for which loss of function is a known mechanism of disease; Observed in individual(s) with breast or pancreatic cancer and also in unaffected control(s) (Momozawa et al., 2018; Mizukami et al., 2020); Not observed at significant frequency in large population cohorts (gnomAD); Also known as c.813-1G>A; This variant is associated with the following publications: (PMID: 36988593, 30287823, 32295079, 32980694, 34282142, 36243179)

Myriad Genetics, Inc.
Classification: Likely pathogenic for Familial cancer of breast. Last evaluated: 2023-06-26. Review status: criteria provided, single submitter. Criteria: Myriad Autosomal Dominant, Autosomal Recessive and X-Linked Classification Criteria (2023). Collection method: clinical testing. Allele origin: unknown.
Comment: This variant is considered likely pathogenic. This variant occurs within a consensus splice junction and is predicted to result in abnormal mRNA splicing of either an out-of-frame exon or an in-frame exon necessary for protein stability and/or normal function.

Baylor Genetics
Classification: Likely pathogenic for Familial cancer of breast. Last evaluated: 2023-05-18. Review status: criteria provided, single submitter. Criteria: ACMG Guidelines, 2015. Collection method: clinical testing. Allele origin: unknown.

Juno Genomics, Hangzhou Juno Genomics, Inc
Classification: Likely pathogenic for Bone osteosarcoma; Familial prostate cancer; CHEK2-related cancer predisposition. Review status: criteria provided, single submitter. Criteria: ACMG Guidelines, 2015. Collection method: clinical testing. Allele origin: germline.
Comment: Absent from controls (or at extremely low frequency if recessive) in Genome Aggregation Database.;Null variant in a gene where loss of function (LOF) is a known mechanism of disease.

Laboratory for Genotyping Development, RIKEN
Classification: Pathogenic for Gastric cancer. Last evaluated: 2021-07-01. Review status: no assertion criteria provided. Collection method: research. Allele origin: germline. Not counted in ClinVar's aggregate classification.

University Health Network, Princess Margaret Cancer Centre
Classification: Likely pathogenic for Familial cancer of breast. Last evaluated: 2021-03-19. Review status: no assertion criteria provided. Collection method: clinical testing. Allele origin: somatic. Affected: no. Not counted in ClinVar's aggregate classification.

CZECANCA consortium
Classification: Pathogenic for Breast and/or ovarian cancer. Last evaluated: 2019-06-11. Review status: no assertion criteria provided. Collection method: case-control. Allele origin: germline. Affected: no. Observed: 1 variant allele. Not counted in ClinVar's aggregate classification.

Literature cited by the submitters: PubMed 16199547 (cited by Labcorp Genetics (formerly Invitae), Labcorp); PubMed 21876083 (cited by Labcorp Genetics (formerly Invitae), Labcorp); PubMed 24713400 (cited by Labcorp Genetics (formerly Invitae), Labcorp); PubMed 30287823 (cited by Labcorp Genetics (formerly Invitae), Labcorp); PubMed 32980694 (cited by Labcorp Genetics (formerly Invitae), Labcorp); PubMed 36988593 (cited by Laboratory for Genotyping Development, RIKEN); PubMed 32295079 (cited by CZECANCA consortium).

NM_007194.4(CHEK2):c.684-1G>A

Gene: CHEK2 (checkpoint kinase 2; minus strand). Cytogenetic location: 22q12.1.
Variant type: single nucleotide variant.
Coding change: c.684-1G>A on transcript NM_007194.4 (MANE Select); the canonical splice acceptor site of the intron before coding-DNA position 684, G replaced by A.
Molecular consequence: splice acceptor variant.
Genome position (GRCh38, 1-based): chr22:28,712,018, C>T on the plus strand (G>A on the coding strand, the complement: CHEK2 is on the minus strand). VCF-style: chr22-28712018-C-T. GRCh37 (hg19) VCF-style: chr22-29108006-C-T.
Other names: c.21-1G>A (NM_001437942.1, NM_001257387.3); c.483-1G>A (NM_001349956.3); c.684-1G>A (NM_145862.3); c.777-1G>A (NM_001438295.1, NM_001438293.1); c.813-1G>A (NM_001438294.1, NM_001005735.3).
Identifiers: ClinVar variation 479534 (VCV000479534.40), dbSNP rs1298667185, ClinGen allele CA411103528.